The following is an entry in ClinVar:

ClinVar aggregate classification (germline): Uncertain significance (0 of 4 stars; one submission).

Conditions:
CUX1-related disorder. Also called: CUX1-related condition.

Allele frequency attached by ClinVar (database versions not stated): TOPMed below 0.00001.

Submission:

PreventionGenetics, part of Exact Sciences
Classification: Uncertain significance for CUX1-related condition. Last evaluated: 2024-05-24. Review status: no assertion criteria provided. Collection method: clinical testing. Allele origin: germline.
Comment: The CUX1 c.487A>G variant is predicted to result in the amino acid substitution p.Thr163Ala. To our knowledge, this variant has not been reported in the literature or in a large population database, indicating this variant is rare. At this time, the clinical significance of this variant is uncertain due to the absence of conclusive functional and genetic evidence.

NM_181552.4(CUX1):c.454A>G (p.Thr152Ala)

Gene: CUX1 (cut like homeobox 1; plus strand). Cytogenetic location: 7q22.1.
Variant type: single nucleotide variant.
Coding change: c.454A>G on transcript NM_181552.4 (MANE Select); coding-DNA position 454, A replaced by G.
Protein change: p.Thr152Ala; replaces threonine 152 with alanine.
Molecular consequence: missense variant.
Genome position (GRCh38, 1-based): chr7:102,104,383, A>G. VCF-style: chr7-102104383-A-G. GRCh37 (hg19) VCF-style: chr7-101747663-A-G.
Other names: c.487A>G, p.Thr163Ala (NM_001202543.2, NM_001913.5, NM_181500.4); c.439A>G, p.Thr147Ala (NM_001202544.3); c.349A>G, p.Thr117Ala (NM_001202545.3); c.376A>G, p.Thr126Ala (NM_001202546.3); short protein forms T117A, T126A, T147A, T152A, T163A.
Identifiers: ClinVar variation 2631114 (VCV002631114.2), dbSNP rs1830120716, ClinGen allele CA368664857.